The following is an entry in ClinVar:

ClinVar aggregate classification (germline): not provided (0 of 4 stars; one submission).

Submission:

ITMI
No classification provided. Condition: AllHighlyPenetrant. Last evaluated: 2013-09-19. Review status: no classification provided. Collection method: reference population. Allele origin: germline.
Comment: Please see associated publication for description of ethnicities

Literature cited by the submitters: PubMed 24728327.

NM_000534.5(PMS1):c.2377T>G (p.Tyr793Asp)

Gene: PMS1 (PMS1 homolog 1, mismatch repair system component; plus strand). Cytogenetic location: 2q32.2.
Variant type: single nucleotide variant.
Coding change: c.2377T>G on transcript NM_000534.5 (MANE Select); coding-DNA position 2377, T replaced by G.
Protein change: p.Tyr793Asp; replaces tyrosine 793 with aspartic acid.
Molecular consequence: missense variant. On other transcripts: non-coding transcript variant (1).
Genome position (GRCh38, 1-based): chr2:189,867,833, T>G. VCF-style: chr2-189867833-T-G. GRCh37 (hg19) VCF-style: chr2-190732559-T-G.
Other names: c.2260T>G, p.Tyr754Asp (NM_001128143.2); c.1891T>G, p.Tyr631Asp (NM_001128144.2); c.1849T>G, p.Tyr617Asp (NM_001289408.2, NM_001289409.2); c.1774T>G, p.Tyr592Asp (NM_001321044.2); c.2377T>G, p.Tyr793Asp (NM_001321045.2, NM_001321047.2, NM_001321048.2); c.2194T>G, p.Tyr732Asp (NM_001321046.2); short protein forms Y793D, Y592D, Y617D, Y754D, Y631D, Y732D.
Identifiers: ClinVar variation 135050 (VCV000135050.1), dbSNP rs1145234, ClinGen allele CA161522.